The following is an entry in ClinVar:

ClinVar aggregate classification (germline): Uncertain significance (1 of 4 stars; one submission).

Conditions:
EAST syndrome (SESAMES). Also called: SEIZURES, SENSORINEURAL DEAFNESS, ATAXIA, IMPAIRED INTELLECTUAL DEVELOPMENT, AND ELECTROLYTE IMBALANCE. Identifiers: Orphanet 199343, MedGen C2748572, MONDO:0013005, OMIM 612780.

Submission:

Labcorp Genetics (formerly Invitae), Labcorp
Classification: Uncertain significance for EAST syndrome. Last evaluated: 2023-08-17. Review status: criteria provided, single submitter. Criteria: Invitae Variant Classification Sherloc (09022015). Collection method: clinical testing. Allele origin: germline.
Comment: In summary, the available evidence is currently insufficient to determine the role of this variant in disease. Therefore, it has been classified as a Variant of Uncertain Significance. Advanced modeling of protein sequence and biophysical properties (such as structural, functional, and spatial information, amino acid conservation, physicochemical variation, residue mobility, and thermodynamic stability) performed at Invitae indicates that this missense variant is not expected to disrupt KCNJ10 protein function. ClinVar contains an entry for this variant (Variation ID: 1359521). This variant has not been reported in the literature in individuals affected with KCNJ10-related conditions. This variant is not present in population databases (gnomAD no frequency). This sequence change replaces histidine, which is basic and polar, with proline, which is neutral and non-polar, at codon 184 of the KCNJ10 protein (p.His184Pro).

NM_002241.5(KCNJ10):c.551A>C (p.His184Pro)

Gene: KCNJ10 (potassium inwardly rectifying channel subfamily J member 10; minus strand). Cytogenetic location: 1q23.2.
Variant type: single nucleotide variant.
Coding change: c.551A>C on transcript NM_002241.5 (MANE Select); coding-DNA position 551, A replaced by C.
Protein change: p.His184Pro; replaces histidine 184 with proline.
Molecular consequence: missense variant.
Genome position (GRCh38, 1-based): chr1:160,041,982, T>G on the plus strand (A>C on the coding strand, the complement: KCNJ10 is on the minus strand). VCF-style: chr1-160041982-T-G. GRCh37 (hg19) VCF-style: chr1-160011772-T-G.
Other names: short protein forms H184P.
Identifiers: ClinVar variation 1359521 (VCV001359521.8), dbSNP rs2101924889, ClinGen allele CA343226486.
Genomic context (GRCh38, chr1:160,041,982, plus strand): 5'-CGCATATTGGCAACTCGGATCATGAGGCAGGGCTTGCCATTGTGGGAGGCCACAACTGCA[T>G]GCTGGCTGAAACGAATGGTCTCAGCCCGCTTCTTGGGCCGGGCAATCTTCGCCAGGAAGG-3'
Protein context (NP_002232.2, residues 174-194): KRAETIRFSQ[His184Pro]AVVASHNGKP